The following is an entry in ClinVar:

ClinVar aggregate classification (germline): Uncertain significance (1 of 4 stars; one submission).

gnomAD v4.1: 1 of 1,614,174 alleles (0.000062%); highest among the groups gnomAD compares: Non-Finnish European, 0.000085%; no homozygotes.

Submission:

Ambry Genetics
Classification: Uncertain significance. Last evaluated: 2025-03-10. Review status: criteria provided, single submitter. Criteria: Ambry Variant Classification Scheme 2023. Collection method: clinical testing. Allele origin: germline.
Comment: The p.T1161K variant (also known as c.3482C>A), located in coding exon 13 of the CDK12 gene, results from a C to A substitution at nucleotide position 3482. The threonine at codon 1161 is replaced by lysine, an amino acid with similar properties. This amino acid position is conserved. In addition, this alteration is predicted to be tolerated by in silico analysis. Based on the available evidence, the clinical significance of this variant remains unclear.

NM_016507.4(CDK12):c.3482C>A (p.Thr1161Lys)

Gene: CDK12 (cyclin dependent kinase 12; plus strand). Cytogenetic location: 17q12.
Variant type: single nucleotide variant.
Coding change: c.3482C>A on transcript NM_016507.4 (MANE Select); coding-DNA position 3482, C replaced by A.
Protein change: p.Thr1161Lys; replaces threonine 1161 with lysine.
Molecular consequence: missense variant.
Genome position (GRCh38, 1-based): chr17:39,526,038, C>A. VCF-style: chr17-39526038-C-A. GRCh37 (hg19) VCF-style: chr17-37682291-C-A.
Other names: c.3482C>A, p.Thr1161Lys (NM_015083.4); short protein forms T1161K.
Identifiers: ClinVar variation 3830788 (VCV003830788.1).